The following is an entry in ClinVar:

ClinVar aggregate classification (germline): Uncertain significance. Review status: criteria provided, multiple submitters, no conflicts (2 of 4 stars). 2 submissions from 2 submitters: Uncertain significance (2). Last evaluated 2022-05-08.

Allele frequency attached by ClinVar (database versions not stated): gnomAD exomes below 0.00001 and 0.00001; gnomAD 0.00001; ExAC 0.00002; 1000 Genomes Project 0.00040; 1000 Genomes Project 30x 0.00047.
gnomAD v4.1: 4 of 1,613,750 alleles (0.00025%); highest among the groups gnomAD compares: African/African-American, 0.004%; no homozygotes.

Submissions (2):

Labcorp Genetics (formerly Invitae), Labcorp
Classification: Uncertain significance. Last evaluated: 2022-05-08. Review status: criteria provided, single submitter. Criteria: Invitae Variant Classification Sherloc (09022015). Collection method: clinical testing. Allele origin: germline.
Comment: This sequence change replaces leucine, which is neutral and non-polar, with isoleucine, which is neutral and non-polar, at codon 82 of the TBCE protein (p.Leu82Ile). This variant is present in population databases (rs542328397, gnomAD 0.01%). This variant has not been reported in the literature in individuals affected with TBCE-related conditions. ClinVar contains an entry for this variant (Variation ID: 500121). Algorithms developed to predict the effect of missense changes on protein structure and function output the following: SIFT: "Tolerated"; PolyPhen-2: "Benign"; Align-GVGD: "Class C0". The isoleucine amino acid residue is found in multiple mammalian species, which suggests that this missense change does not adversely affect protein function. In summary, the available evidence is currently insufficient to determine the role of this variant in disease. Therefore, it has been classified as a Variant of Uncertain Significance.

Eurofins Ntd Llc (ga)
Classification: Uncertain significance. Last evaluated: 2017-02-07. Review status: criteria provided, single submitter. Criteria: EGL Classification Definitions 2015. Collection method: clinical testing. Allele origin: germline. Observed: 1 variant allele, 1 heterozygote.

NM_003193.5(TBCE):c.244C>A (p.Leu82Ile)

Gene: TBCE (tubulin folding cofactor E; plus strand). Cytogenetic location: 1q42.3.
Variant type: single nucleotide variant.
Coding change: c.244C>A on transcript NM_003193.5 (MANE Select); coding-DNA position 244, C replaced by A.
Protein change: p.Leu82Ile; replaces leucine 82 with isoleucine.
Molecular consequence: missense variant. On other transcripts: 5 prime UTR variant (1).
Genome position (GRCh38, 1-based): chr1:235,414,491, C>A. VCF-style: chr1-235414491-C-A. GRCh37 (hg19) VCF-style: chr1-235577806-C-A.
Other names: c.244C>A, p.Leu82Ile (NM_001079515.3, NM_001287801.2); c.-152C>A (NM_001287802.2); short protein forms L82I.
Identifiers: ClinVar variation 500121 (VCV000500121.6), dbSNP rs542328397, ClinGen allele CA1463978.